The following is an entry in ClinVar:

ClinVar aggregate classification (germline): Uncertain significance (1 of 4 stars; one submission).

Allele frequency attached by ClinVar (database versions not stated): gnomAD exomes below 0.00001; TOPMed below 0.00001; ExAC 0.00001.
gnomAD v4.1: 2 of 1,614,188 alleles (0.00012%); highest among the groups gnomAD compares: East Asian, 0.0045%; no homozygotes.

Submission:

GeneDx
Classification: Uncertain significance. Last evaluated: 2024-07-11. Review status: criteria provided, single submitter. Criteria: GeneDx Variant Classification Process June 2021. Collection method: clinical testing. Allele origin: germline. Affected: yes.
Comment: In silico analysis indicates that this missense variant does not alter protein structure/function; Has not been previously published as pathogenic or benign to our knowledge

NM_016333.4(SRRM2):c.4285G>A (p.Asp1429Asn)

Gene: SRRM2 (serine/arginine repetitive matrix 2; plus strand). Cytogenetic location: 16p13.3.
Variant type: single nucleotide variant.
Coding change: c.4285G>A on transcript NM_016333.4 (MANE Select); coding-DNA position 4285, G replaced by A.
Protein change: p.Asp1429Asn; replaces aspartic acid 1429 with asparagine.
Molecular consequence: missense variant.
Genome position (GRCh38, 1-based): chr16:2,764,813, G>A. VCF-style: chr16-2764813-G-A. GRCh37 (hg19) VCF-style: chr16-2814814-G-A.
Other names: short protein forms D1429N.
Identifiers: ClinVar variation 2571674 (VCV002571674.2), dbSNP rs778833157, ClinGen allele CA7848141.